The following is an entry in ClinVar:

ClinVar aggregate classification (germline): Pathogenic (1 of 4 stars; one submission).

Conditions:
Mucopolysaccharidosis, MPS-II (MPS2). Also called: IDS deficiency; Sulfoiduronate sulfatase deficiency; SIDS deficiency; Mucopolysaccharidosis with skin involvement; Mucopolysaccharidosis type 2; Attenuated MPS (subtype; formerly known as mild MPS II). Identifiers: Orphanet 580, Orphanet 79388, MedGen C0026705, MONDO:0010674, OMIM 309900.

Submission:

Labcorp Genetics (formerly Invitae), Labcorp
Classification: Pathogenic for Mucopolysaccharidosis, MPS-II. Last evaluated: 2022-01-11. Review status: criteria provided, single submitter. Criteria: Invitae Variant Classification Sherloc (09022015). Collection method: clinical testing. Allele origin: germline.
Comment: This sequence change creates a premature translational stop signal (p.Gln396Hisfs*44) in the IDS gene. While this is not anticipated to result in nonsense mediated decay, it is expected to disrupt the last 155 amino acid(s) of the IDS protein. This variant is not present in population databases (gnomAD no frequency). This variant has not been reported in the literature in individuals affected with IDS-related conditions. This variant disrupts a region of the IDS protein in which other variant(s) (p.Leu530Phefs*8) have been determined to be pathogenic (PMID: 17284421; Invitae; external communication). This suggests that this is a clinically significant region of the protein, and that variants that disrupt it are likely to be disease-causing. For these reasons, this variant has been classified as Pathogenic.

Literature cited by the submitters: PubMed 17284421.

NM_000202.8(IDS):c.1188del (p.Gln396fs)

Gene: IDS (iduronate 2-sulfatase; minus strand). Cytogenetic location: Xq28.
Variant type: Deletion.
Coding change: c.1188del on transcript NM_000202.8 (MANE Select); coding-DNA position 1188, one base deleted (A; older notation c.1188delA).
Protein change: p.Gln396fs; shifts the reading frame from glutamine 396.
Molecular consequence: frameshift variant.
Genome position (GRCh38, 1-based): chrX:149,483,211, T deleted on the plus strand (A on the coding strand, the reverse complement: IDS is on the minus strand); the first of 2 consecutive T bases (chrX:149,483,211-149,483,212); deleting either gives the same sequence. VCF-style (leftmost placement, unchanged base first): chrX-149483210-AT-A. GRCh37 (hg19) VCF-style: chrX-148564741-AT-A.
Other names: c.918del, p.Gln306fs (NM_001166550.4); short protein forms Q306fs, Q396fs.
Identifiers: ClinVar variation 2079331 (VCV002079331.4), dbSNP rs2520758970, ClinGen allele CA2580101624.
Genomic context (GRCh38, chrX:149,483,210, plus strand): 5'-GCAGTCCTGCAAGTCCAGCCAGCGTGGGAAAAAGAGACACAAGTTCCACAAGGTCCATGG[AT>A]TGCCTGCCTGAAACAGGAAGCGACAGAGCAGAATGGGTTACATTATAAAAGCCTGCCATG-3'